The following is an entry in ClinVar:

ClinVar aggregate classification (germline): Uncertain significance (1 of 4 stars; one submission).

Submission:

Ambry Genetics
Classification: Uncertain significance. Last evaluated: 2022-04-10. Review status: criteria provided, single submitter. Criteria: Ambry Variant Classification Scheme 2023. Collection method: clinical testing. Allele origin: germline.
Comment: The p.A48V variant (also known as c.143C>T), located in coding exon 1 of the GALNT12 gene, results from a C to T substitution at nucleotide position 143. The alanine at codon 48 is replaced by valine, an amino acid with similar properties. This amino acid position is conserved. In addition, this alteration is predicted to be tolerated by in silico analysis. Since supporting evidence is limited at this time, the clinical significance of this alteration remains unclear.

NM_024642.5(GALNT12):c.143C>T (p.Ala48Val)

Gene: GALNT12 (polypeptide N-acetylgalactosaminyltransferase 12; plus strand). Cytogenetic location: 9q22.33.
Variant type: single nucleotide variant.
Coding change: c.143C>T on transcript NM_024642.5 (MANE Select); coding-DNA position 143, C replaced by T.
Protein change: p.Ala48Val; replaces alanine 48 with valine.
Molecular consequence: missense variant.
Genome position (GRCh38, 1-based): chr9:98,807,841, C>T. VCF-style: chr9-98807841-C-T. GRCh37 (hg19) VCF-style: chr9-101570123-C-T.
Other names: short protein forms A48V.
Identifiers: ClinVar variation 1772680 (VCV001772680.2), dbSNP rs1237089851, ClinGen allele CA374222395.